The following is an entry in ClinVar:

ClinVar aggregate classification (germline): Likely benign. Review status: criteria provided, multiple submitters, no conflicts (2 of 4 stars). 3 submissions from 3 submitters: Likely benign (2). 1 of the submissions does not count toward it. Last evaluated 2026-01-14.

Conditions:
MRTFA-related disorder. Also called: MRTFA-related condition.

Allele frequency attached by ClinVar (database versions not stated): gnomAD 0.00009 and 0.00011; TOPMed 0.00010; 1000 Genomes Project 30x 0.00016; ESP Exome Variant Server 0.00016; 1000 Genomes Project 0.00020; gnomAD exomes 0.00020; ExAC 0.00023.
gnomAD v4.1: 222 of 1,550,012 alleles (0.014%); highest among the groups gnomAD compares: South Asian, 0.053%; 1 homozygote.

Submissions (3):

Labcorp Genetics (formerly Invitae), Labcorp
Classification: Likely benign. Last evaluated: 2026-01-14. Review status: criteria provided, single submitter. Criteria: Invitae Variant Classification Sherloc (09022015). Collection method: clinical testing. Allele origin: germline.

Blueprint Genetics
Classification: Likely benign. Last evaluated: 2024-10-04. Review status: criteria provided, single submitter. Criteria: ACMG Guidelines, 2015. Collection method: clinical testing. Allele origin: germline.

PreventionGenetics, part of Exact Sciences
Classification: Likely benign for MRTFA-related condition. Last evaluated: 2019-04-04. Review status: no assertion criteria provided. Collection method: clinical testing. Allele origin: germline. Not counted in ClinVar's aggregate classification.
Comment: This variant is classified as likely benign based on ACMG/AMP sequence variant interpretation guidelines (Richards et al. 2015 PMID: 25741868, with internal and published modifications).

NM_020831.6(MRTFA):c.2157G>A (p.Pro719=)

Gene: MRTFA (myocardin related transcription factor A; minus strand). Cytogenetic location: 22q13.1.
Variant type: single nucleotide variant.
Coding change: c.2157G>A on transcript NM_020831.6 (MANE Select); coding-DNA position 2157, G replaced by A.
Protein change: p.Pro719=; no amino-acid change (proline 719 retained).
Molecular consequence: synonymous variant.
Genome position (GRCh38, 1-based): chr22:40,418,581, C>T on the plus strand (G>A on the coding strand, the complement: MRTFA is on the minus strand). VCF-style: chr22-40418581-C-T. GRCh37 (hg19) VCF-style: chr22-40814585-C-T.
Other names: c.1857G>A (NM_020831.4); c.1857G>A, p.Pro619= (NM_001282660.2); c.2007G>A, p.Pro669= (NM_001282661.3); c.2157G>A, p.Pro719= (NM_001282662.3); c.1962G>A, p.Pro654= (NM_001318139.2).
Identifiers: ClinVar variation 1682991 (VCV001682991.11), dbSNP rs372005183, ClinGen allele CA10249436.